The following is an entry in ClinVar:

NM_025233.7(COASY):c.1077_1080del (p.Leu358_Tyr359insTer)

Gene: COASY (Coenzyme A synthase; plus strand). Cytogenetic location: 17q21.2.
Variant type: Deletion.
Coding change: c.1077_1080del on transcript NM_025233.7 (MANE Select); coding-DNA positions 1077 to 1080, 4 bases deleted (TGTA; older notation c.1077_1080delTGTA).
Protein change: p.Leu358_Tyr359insTer.
Molecular consequence: nonsense.
Genome position (GRCh38, 1-based): chr17:42,564,738-42,564,741, TGTA deleted; deleting any 4 consecutive bases within chr17:42,564,736-42,564,741 gives the same sequence; the c. name uses the placement nearest the transcript's 3' end. VCF-style (leftmost placement, unchanged base first): chr17-42564735-CTATG-C. GRCh37 (hg19) VCF-style: chr17-40716753-CTATG-C.
Other names: c.1077_1080del, p.Leu358_Tyr359insTer (NM_001042529.3); c.1164_1167del, p.Leu387_Tyr388insTer (NM_001042532.4).
Identifiers: ClinVar variation 4886563 (VCV004886563.2).

ClinVar aggregate classification (germline): Likely pathogenic (1 of 4 stars; one submission).

Submission:

Dasa
Classification: Likely pathogenic. Last evaluated: 2026-03-09. Review status: criteria provided, single submitter. Criteria: DASA Assertion Criteria. Collection method: clinical testing. Allele origin: germline.
Comment: NM_025233.7(COASY):c.1077_1080del (p.Tyr359*) is a nonsense variant in COASY predicted to introduce a premature termination codon and is predicted to result in an absent or altered protein product. Loss of function is an established disease mechanism for COASY-associated disorders. Also, this variant is rare in population databases. Based on the currently available evidence, this variant is classified as likely pathogenic.